The following is an entry in ClinVar:

NM_020964.3(EPG5):c.4663G>A (p.Glu1555Lys)

Gene: EPG5 (ectopic P-granules 5 autophagy tethering factor; minus strand). Cytogenetic location: 18q12.3.
Variant type: single nucleotide variant.
Coding change: c.4663G>A on transcript NM_020964.3 (MANE Select); coding-DNA position 4663, G replaced by A.
Protein change: p.Glu1555Lys; replaces glutamic acid 1555 with lysine.
Molecular consequence: missense variant.
Genome position (GRCh38, 1-based): chr18:45,899,550, C>T on the plus strand (G>A on the coding strand, the complement: EPG5 is on the minus strand). VCF-style: chr18-45899550-C-T. GRCh37 (hg19) VCF-style: chr18-43479515-C-T.
Other names: short protein forms E1555K.
Identifiers: ClinVar variation 849650 (VCV000849650.9), dbSNP rs780030419, ClinGen allele CA8948775.

ClinVar aggregate classification (germline): Uncertain significance. Review status: criteria provided, multiple submitters, no conflicts (2 of 4 stars). 2 submissions from 2 submitters: Uncertain significance (2). Last evaluated 2022-08-16.

Conditions:
Vici syndrome (VICIS). Identifiers: Orphanet 1493, MedGen C1855772, MONDO:0009452, OMIM 242840.

Allele frequency attached by ClinVar (database versions not stated): gnomAD exomes below 0.00001 and 0.00001; ExAC 0.00001; gnomAD 0.00001; TOPMed 0.00002.
gnomAD v4.1: 20 of 1,613,904 alleles (0.0012%); highest among the groups gnomAD compares: Non-Finnish European, 0.0015%; no homozygotes.

Submissions (2):

Labcorp Genetics (formerly Invitae), Labcorp
Classification: Uncertain significance for Vici syndrome. Last evaluated: 2022-08-16. Review status: criteria provided, single submitter. Criteria: Invitae Variant Classification Sherloc (09022015). Collection method: clinical testing. Allele origin: germline.
Comment: This sequence change replaces glutamic acid, which is acidic and polar, with lysine, which is basic and polar, at codon 1555 of the EPG5 protein (p.Glu1555Lys). This variant is present in population databases (rs780030419, gnomAD 0.0009%). This variant has not been reported in the literature in individuals affected with EPG5-related conditions. ClinVar contains an entry for this variant (Variation ID: 849650). Algorithms developed to predict the effect of missense changes on protein structure and function are either unavailable or do not agree on the potential impact of this missense change (SIFT: "Tolerated"; PolyPhen-2: "Probably Damaging"; Align-GVGD: "Class C0"). In summary, the available evidence is currently insufficient to determine the role of this variant in disease. Therefore, it has been classified as a Variant of Uncertain Significance.

GeneDx
Classification: Uncertain significance. Last evaluated: 2019-09-26. Review status: criteria provided, single submitter. Criteria: GeneDx Variant Classification Process June 2021. Collection method: clinical testing. Allele origin: germline. Affected: yes.
Comment: Not observed at a significant frequency in large population cohorts (Lek et al., 2016); In silico analysis, which includes protein predictors and evolutionary conservation, supports that this variant does not alter protein structure/function; Has not been previously published as pathogenic or benign to our knowledge